The following is an entry in ClinVar:

ClinVar aggregate classification (germline): Pathogenic (1 of 4 stars; one submission).

Conditions:
MECOM-associated syndrome. Identifiers: MedGen CN305607, MONDO:0100458.

Submission:

Wendy Chung Laboratory, Boston Children's Hospital
Classification: Pathogenic for MECOM-associated syndrome. Last evaluated: 2025-04-30. Review status: criteria provided, single submitter. Criteria: ACMG Guidelines, 2015. Collection method: research. Allele origin: de novo. Affected: yes. Observed: 1 variant allele.
Comment: NM_0004991.4:c.2850-1G>A; p.(?) is a DNA variant located in the canonical donor splice site of intron 11, predicted to cause out-of-frame exon skipping and nonsense mediated decay (PVS1). The variant is absent from gnomAD v4.1 (PM2_supporting) and has been identified in another unrelated proband (PMID: 37067177) (PS4).

Literature cited by the submitters: PubMed 37067177.

NM_004991.4(MECOM):c.2850-1G>A

Gene: MECOM (MDS1 and EVI1 complex locus; minus strand). Cytogenetic location: 3q26.2.
Variant type: single nucleotide variant.
Coding change: c.2850-1G>A on transcript NM_004991.4 (MANE Select); the canonical splice acceptor site of the intron before coding-DNA position 2850, G replaced by A.
Molecular consequence: splice acceptor variant.
Genome position (GRCh38, 1-based): chr3:169,095,246, C>T on the plus strand (G>A on the coding strand, the complement: MECOM is on the minus strand). VCF-style: chr3-169095246-C-T. GRCh37 (hg19) VCF-style: chr3-168813034-C-T.
Other names: c.2286-1G>A (NM_005241.4, NM_001205194.2, NM_001366469.2 and 1 more transcripts); c.2262-1G>A (NM_001163999.2, NM_001366470.2); c.2481-1G>A (NM_001105077.4); c.2259-1G>A (NM_001366472.2, NM_001164000.2, NM_001366471.2); c.1851-1G>A (NM_001366473.2); c.2823-1G>A (NM_001366466.2); c.1287-1G>A (NM_001366474.2); c.2289-1G>A (NM_001366467.2, NM_001366468.2).
Identifiers: ClinVar variation 3900743 (VCV003900743.1).
Genomic context (GRCh38, chr3:169,095,246, plus strand): 5'-TTGCGAACATGCCTTTGCAAGTTAGAAGATATGCTAAATGATCTGTCACAGTATTTGCAT[C>T]TGAAAAATAAACAAAGAGAAAATATTAGCAAGCACATTAAAAGGTATTTCTCAAGACTAG-3'